The following is an entry in ClinVar:

ClinVar aggregate classification (germline): Uncertain significance (1 of 4 stars; one submission).

Conditions:
Inborn genetic diseases. Identifiers: MedGen C0950123, MeSH D030342.

Submission:

Ambry Genetics
Classification: Uncertain significance for Inborn genetic diseases. Last evaluated: 2026-05-14. Review status: criteria provided, single submitter. Criteria: Ambry Variant Classification Scheme 2023. Collection method: clinical testing. Allele origin: germline.
Comment: The p.A22D variant (also known as c.65C>A), located in coding exon 1 of the SH2B3 gene, results from a C to A substitution at nucleotide position 65. The alanine at codon 22 is replaced by aspartic acid, an amino acid with dissimilar properties. This amino acid position is conserved. In addition, this alteration is predicted to be tolerated by in silico analysis. Based on the available evidence, the clinical significance of this variant remains unclear.

NM_005475.3(SH2B3):c.65C>A (p.Ala22Asp)

Gene: SH2B3 (SH2B adaptor protein 3; plus strand). Cytogenetic location: 12q24.12.
Variant type: single nucleotide variant.
Coding change: c.65C>A on transcript NM_005475.3 (MANE Select); coding-DNA position 65, C replaced by A.
Protein change: p.Ala22Asp; replaces alanine 22 with aspartic acid.
Molecular consequence: missense variant.
Genome position (GRCh38, 1-based): chr12:111,418,210, C>A. VCF-style: chr12-111418210-C-A. GRCh37 (hg19) VCF-style: chr12-111856014-C-A.
Other names: short protein forms A22D.
Identifiers: ClinVar variation 4864443 (VCV004864443.1).